The following is an entry in ClinVar:

ClinVar aggregate classification (germline): Benign/Likely benign. Review status: criteria provided, multiple submitters, no conflicts (2 of 4 stars). 7 submissions from 7 submitters: Benign (1); Likely benign (5). 1 of the submissions does not count toward it. Last evaluated 2026-06-17.

Conditions:
PDGFRA-related disorder. Also called: PDGFRA-related condition.
Gastrointestinal stromal tumor. Also called: Gastrointestinal stroma tumor; Gastrointestinal stromal tumor, somatic. Identifiers: Orphanet 44890, MedGen C0238198, MeSH D046152, MONDO:0011719, OMIM 606764, HP:0100723.
Polyps, multiple and recurrent inflammatory fibroid, gastrointestinal. Identifiers: MedGen C5193005, MONDO:0008285, OMIM 175510.
Hereditary cancer-predisposing syndrome. Also called: Neoplastic Syndromes, Hereditary; Hereditary Cancer Syndrome; Tumor predisposition; Hereditary neoplastic syndrome. Identifiers: Orphanet 140162, MedGen C0027672, MeSH D009386, MONDO:0015356.

Allele frequency attached by ClinVar (database versions not stated): gnomAD 0.00017 and 0.00018; TOPMed 0.00022; ESP Exome Variant Server 0.00023.
gnomAD v4.1: 770 of 1,613,472 alleles (0.048%); highest among the groups gnomAD compares: Non-Finnish European, 0.061%; no homozygotes.

Submissions (7):

Myriad Genetics, Inc.
Classification: Benign for Polyps, multiple and recurrent inflammatory fibroid, gastrointestinal. Last evaluated: 2026-06-17. Review status: criteria provided, single submitter. Criteria: Myriad Autosomal Dominant, Autosomal Recessive and X-Linked Classification Criteria (2023). Collection method: clinical testing. Allele origin: unknown.
Comment: This variant is considered benign. This variant is a silent/synonymous amino acid change and it is not expected to impact splicing.

Labcorp Genetics (formerly Invitae), Labcorp
Classification: Likely benign for Gastrointestinal stromal tumor. Last evaluated: 2026-02-03. Review status: criteria provided, single submitter. Criteria: Invitae Variant Classification Sherloc (09022015). Collection method: clinical testing. Allele origin: germline.

Blueprint Genetics
Classification: Likely benign. Last evaluated: 2024-10-21. Review status: criteria provided, single submitter. Criteria: ACMG Guidelines, 2015. Collection method: clinical testing. Allele origin: germline.

Sema4
Classification: Likely benign for Hereditary cancer-predisposing syndrome. Last evaluated: 2021-01-29. Review status: criteria provided, single submitter. Criteria: Sema4 Curation Guidelines. Collection method: curation. Allele origin: germline.

Ambry Genetics
Classification: Likely benign for Hereditary cancer-predisposing syndrome. Last evaluated: 2018-11-06. Review status: criteria provided, single submitter. Criteria: Ambry Variant Classification Scheme 2023. Collection method: clinical testing. Allele origin: germline.

Breakthrough Genomics
Classification: Likely benign. Review status: criteria provided, single submitter. Criteria: ACMG Guidelines, 2015. Collection method: not provided. Allele origin: germline. Inheritance: Autosomal dominant inheritance. Affected: yes.

PreventionGenetics, part of Exact Sciences
Classification: Likely benign for PDGFRA-related condition. Last evaluated: 2024-05-06. Review status: no assertion criteria provided. Collection method: clinical testing. Allele origin: germline. Not counted in ClinVar's aggregate classification.
Comment: This variant is classified as likely benign based on ACMG/AMP sequence variant interpretation guidelines (Richards et al. 2015 PMID: 25741868, with internal and published modifications).

NM_006206.6(PDGFRA):c.2265C>T (p.Ser755=)

Gene: PDGFRA (platelet derived growth factor receptor alpha; plus strand). Cytogenetic location: 4q12.
Variant type: single nucleotide variant.
Coding change: c.2265C>T on transcript NM_006206.6 (MANE Select); coding-DNA position 2265, C replaced by T.
Protein change: p.Ser755=; no amino-acid change (serine 755 retained).
Molecular consequence: synonymous variant.
Genome position (GRCh38, 1-based): chr4:54,280,424, C>T. VCF-style: chr4-54280424-C-T. GRCh37 (hg19) VCF-style: chr4-55146591-C-T.
Other names: c.2265C>T, p.Ser755= (NM_001347827.2, NM_001347829.2); c.2340C>T, p.Ser780= (NM_001347828.2); c.2304C>T, p.Ser768= (NM_001347830.2); c.2265C>T (NM_006206.5).
Identifiers: ClinVar variation 240327 (VCV000240327.21), dbSNP rs149659832, ClinGen allele CA2922798.